The following is an entry in ClinVar:

NM_000089.4(COL1A2):c.1925C>T (p.Pro642Leu)

Gene: COL1A2 (collagen type I alpha 2 chain; plus strand). Cytogenetic location: 7q21.3.
Variant type: single nucleotide variant.
Coding change: c.1925C>T on transcript NM_000089.4 (MANE Select); coding-DNA position 1925, C replaced by T.
Protein change: p.Pro642Leu; replaces proline 642 with leucine.
Molecular consequence: missense variant.
Genome position (GRCh38, 1-based): chr7:94,417,785, C>T. VCF-style: chr7-94417785-C-T. GRCh37 (hg19) VCF-style: chr7-94047097-C-T.
Other names: short protein forms P642L.
Identifiers: ClinVar variation 425419 (VCV000425419.48), dbSNP rs1064797338, ClinGen allele CA16621857.

ClinVar aggregate classification (germline): Uncertain significance. Review status: criteria provided, multiple submitters, no conflicts (2 of 4 stars). 2 submissions from 2 submitters: Uncertain significance (2). Last evaluated 2022-02-27.

Conditions:
Ehlers-Danlos syndrome, classic type, 1 (EDSCL1). Also called: EDS I; Ehlers-Danlos Syndrome, Classic Type, COL5A1-Related; Ehlers-Danlos syndrome, type 1; EHLERS-DANLOS SYNDROME, GRAVIS TYPE; EHLERS-DANLOS SYNDROME, SEVERE CLASSIC TYPE. Identifiers: MedGen C0268335, MONDO:0019567, OMIM 130000.
Osteogenesis imperfecta type I (OI1). Also called: Osteogenesis imperfecta type 1; Lobstein's Disease; OI, TYPE I; OSTEOGENESIS IMPERFECTA TARDA; OSTEOGENESIS IMPERFECTA WITH BLUE SCLERAE; Lobstein disease. Identifiers: Orphanet 216796, Orphanet 666, MedGen C0023931, MONDO:0008146, OMIM 166200. Disease mechanism: loss of function.

Submissions (2):

Labcorp Genetics (formerly Invitae), Labcorp
Classification: Uncertain significance for Osteogenesis imperfecta type I; Ehlers-Danlos syndrome, classic type, 1. Last evaluated: 2022-02-27. Review status: criteria provided, single submitter. Criteria: Invitae Variant Classification Sherloc (09022015). Collection method: clinical testing. Allele origin: germline.
Comment: In summary, the available evidence is currently insufficient to determine the role of this variant in disease. Therefore, it has been classified as a Variant of Uncertain Significance. Advanced modeling of protein sequence and biophysical properties (such as structural, functional, and spatial information, amino acid conservation, physicochemical variation, residue mobility, and thermodynamic stability) performed at Invitae indicates that this missense variant is not expected to disrupt COL1A2 protein function. ClinVar contains an entry for this variant (Variation ID: 425419). This variant has not been reported in the literature in individuals affected with COL1A2-related conditions. This variant is not present in population databases (gnomAD no frequency). This sequence change replaces proline, which is neutral and non-polar, with leucine, which is neutral and non-polar, at codon 642 of the COL1A2 protein (p.Pro642Leu).

CeGaT Center for Human Genetics Tuebingen
Classification: Uncertain significance. Last evaluated: 2016-10-01. Review status: criteria provided, single submitter. Criteria: CeGaT Center For Human Genetics Tuebingen Variant Classification Criteria Version 2. Collection method: clinical testing. Allele origin: germline. Affected: yes. Observed: 1 variant allele.